The following is an entry in ClinVar:

ClinVar aggregate classification (germline): Uncertain significance (1 of 4 stars; one submission).

Conditions:
Familial hypocalciuric hypercalcemia (FHH). Also called: Familial benign hypercalcemia. Identifiers: Orphanet 405, MedGen C1809471, MONDO:0018458.
Autosomal dominant hypocalcemia 1 (HYPOC1). Also called: HYPOCALCEMIA, FAMILIAL. Identifiers: MedGen C3715128, MONDO:0011013, OMIM 601198.

Submission:

Labcorp Genetics (formerly Invitae), Labcorp
Classification: Uncertain significance for Familial hypocalciuric hypercalcemia; Autosomal dominant hypocalcemia 1. Last evaluated: 2023-04-07. Review status: criteria provided, single submitter. Criteria: Invitae Variant Classification Sherloc (09022015). Collection method: clinical testing. Allele origin: germline.
Comment: This sequence change replaces phenylalanine, which is neutral and non-polar, with valine, which is neutral and non-polar, at codon 662 of the CASR protein (p.Phe662Val). This variant is not present in population databases (gnomAD no frequency). This variant has not been reported in the literature in individuals affected with CASR-related conditions. An algorithm developed to predict the effect of missense changes on protein structure and function (PolyPhen-2) suggests that this variant is likely to be disruptive. In summary, the available evidence is currently insufficient to determine the role of this variant in disease. Therefore, it has been classified as a Variant of Uncertain Significance.

NM_000388.4(CASR):c.1984T>G (p.Phe662Val)

Gene: CASR (calcium sensing receptor; plus strand). Cytogenetic location: 3q21.1.
Variant type: single nucleotide variant.
Coding change: c.1984T>G on transcript NM_000388.4 (MANE Select); coding-DNA position 1984, T replaced by G.
Protein change: p.Phe662Val; replaces phenylalanine 662 with valine.
Molecular consequence: missense variant.
Genome position (GRCh38, 1-based): chr3:122,283,938, T>G. VCF-style: chr3-122283938-T-G. GRCh37 (hg19) VCF-style: chr3-122002785-T-G.
Other names: c.2014T>G, p.Phe672Val (NM_001178065.2); short protein forms F672V, F662V.
Identifiers: ClinVar variation 2941040 (VCV002941040.3), dbSNP rs111733898, ClinGen allele CA354158238.
Genomic context (GRCh38, chr3:122,283,938, plus strand): 5'-ATTGTCAAGGCCACCAACCGAGAGCTCTCCTACCTCCTCCTCTTCTCCCTGCTCTGCTGC[T>G]TCTCCAGCTCCCTGTTCTTCATCGGGGAGCCCCAGGACTGGACGTGCCGCCTGCGCCAGC-3'
Protein context (NP_000379.3, residues 652-672): YLLLFSLLCC[Phe662Val]SSSLFFIGEP